The following is an entry in ClinVar:

ClinVar aggregate classification (germline): Likely benign. Review status: criteria provided, multiple submitters, no conflicts (2 of 4 stars). 3 submissions from 3 submitters: Likely benign (3). Last evaluated 2024-02-05.

Conditions:
Malignant hyperthermia, susceptibility to, 1 (MHS1). Also called: Malignant hyperthermia suceptibility 1; Anesthesia related hyperthermia; Malignant hyperpyrexia; Fulminating hyperpyrexia; Pharmacogenic myopathy; RYR1-Related Malignant Hyperthermia Susceptibility. Identifiers: Orphanet 423, MedGen C2930980, MONDO:0007783, OMIM 145600.
RYR1-related disorder. Also called: RYR1-related condition; RYR1-related disorders. Identifiers: MedGen CN239331.

Allele frequency attached by ClinVar (database versions not stated): TOPMed below 0.00001.
gnomAD v4.1: 2 of 1,612,556 alleles (0.00012%); highest among the groups gnomAD compares: East Asian, 0.0022%; no homozygotes.

Submissions (3):

All of Us Research Program, National Institutes of Health
Classification: Likely benign for Malignant hyperthermia, susceptibility to, 1. Last evaluated: 2024-02-05. Review status: criteria provided, single submitter. Criteria: ACMG Guidelines, 2015. Collection method: clinical testing. Allele origin: germline. Inheritance: Autosomal dominant inheritance. Observed: 1 variant allele, 1 heterozygote.
Comment: This study involves interpretation of variants in research participants for the purpose of population health screening. Participant phenotype was not available at the time of variant classification. Additional details can be found in publication PMID: 35346344, PMCID: PMC8962531

Color Diagnostics, LLC DBA Color Health
Classification: Likely benign for Malignant hyperthermia, susceptibility to, 1. Last evaluated: 2024-01-25. Review status: criteria provided, single submitter. Criteria: ACMG Guidelines, 2015. Collection method: clinical testing. Allele origin: germline.

Labcorp Genetics (formerly Invitae), Labcorp
Classification: Likely benign for RYR1-related disorder. Last evaluated: 2023-05-19. Review status: criteria provided, single submitter. Criteria: Invitae Variant Classification Sherloc (09022015). Collection method: clinical testing. Allele origin: germline.

NM_000540.3(RYR1):c.7701G>A (p.Pro2567=)

Gene: RYR1 (ryanodine receptor 1; plus strand). Cytogenetic location: 19q13.2.
Variant type: single nucleotide variant.
Coding change: c.7701G>A on transcript NM_000540.3 (MANE Select); coding-DNA position 7701, G replaced by A.
Protein change: p.Pro2567=; no amino-acid change (proline 2567 retained).
Molecular consequence: synonymous variant.
Genome position (GRCh38, 1-based): chr19:38,502,593, G>A. VCF-style: chr19-38502593-G-A. GRCh37 (hg19) VCF-style: chr19-38993233-G-A.
Other names: c.7701G>A, p.Pro2567= (NM_001042723.2).
Identifiers: ClinVar variation 1587477 (VCV001587477.9), dbSNP rs1420408214, ClinGen allele CA507243740.
Genomic context (GRCh38, chr19:38,502,593, plus strand): 5'-GCTGGCGCTGAACCGCTACCTGTGCCTGGCCGTGCTGCCGCTCATCACCAAGTGTGCGCC[G>A]CTCTTTGCGGGCACAGAACACCGCGCCATCATGGTGGACTCTATGCTGCATACCGTGTAC-3'
Protein context (NP_000531.2, residues 2557-2577): AVLPLITKCA[Pro2567=]LFAGTEHRAI